The following is an entry in ClinVar:

NM_024408.4(NOTCH2):c.4081G>C (p.Ala1361Pro)

Gene: NOTCH2 (notch receptor 2; minus strand). Cytogenetic location: 1p12.
Variant type: single nucleotide variant.
Coding change: c.4081G>C on transcript NM_024408.4 (MANE Select); coding-DNA position 4081, G replaced by C.
Protein change: p.Ala1361Pro; replaces alanine 1361 with proline.
Molecular consequence: missense variant.
Genome position (GRCh38, 1-based): chr1:119,925,735, C>G on the plus strand (G>C on the coding strand, the complement: NOTCH2 is on the minus strand). VCF-style: chr1-119925735-C-G. GRCh37 (hg19) VCF-style: chr1-120468358-C-G.
Other names: short protein forms A1361P.
Identifiers: ClinVar variation 2327462 (VCV002327462.3), dbSNP rs138567855, ClinGen allele CA341891001.

ClinVar aggregate classification (germline): Uncertain significance. Review status: criteria provided, multiple submitters, no conflicts (2 of 4 stars). 2 submissions from 2 submitters: Uncertain significance (2). Last evaluated 2026-07-01.

Conditions:
Inborn genetic diseases. Identifiers: MedGen C0950123, MeSH D030342.

Submissions (2):

CeGaT Center for Human Genetics Tuebingen
Classification: Uncertain significance. Last evaluated: 2026-07-01. Review status: criteria provided, single submitter. Criteria: CeGaT Center For Human Genetics Tuebingen Variant Classification Criteria Version 2. Collection method: clinical testing. Allele origin: germline. Affected: yes. Observed: 1 variant allele.
Comment: NOTCH2: PM2, BP4

Ambry Genetics
Classification: Uncertain significance for Inborn genetic diseases. Last evaluated: 2022-11-18. Review status: criteria provided, single submitter. Criteria: Ambry Variant Classification Scheme 2023. Collection method: clinical testing. Allele origin: germline.